The following is an entry in ClinVar:

ClinVar aggregate classification (germline): Uncertain significance (1 of 4 stars; one submission).

Conditions:
Short-rib thoracic dysplasia 7 with or without polydactyly (SRTD7). Also called: Short rib polydactyly syndrome 5; SHORT-RIB THORACIC DYSPLASIA 7 WITH POLYDACTYLY. Identifiers: Orphanet 498497, Orphanet 93271, MedGen C3279792, MONDO:0013569, OMIM 614091.
Cranioectodermal dysplasia 2 (CED2). Identifiers: Orphanet 1515, MedGen C3150874, MONDO:0013323, OMIM 613610.

Allele frequency attached by ClinVar (database versions not stated): TOPMed 0.00001.
gnomAD v4.1: 3 of 1,613,084 alleles (0.00019%); highest among the groups gnomAD compares: East Asian, 0.0022%; no homozygotes.

Submission:

Labcorp Genetics (formerly Invitae), Labcorp
Classification: Uncertain significance for Cranioectodermal dysplasia 2; Short-rib thoracic dysplasia 7 with or without polydactyly. Last evaluated: 2021-06-16. Review status: criteria provided, single submitter. Criteria: Invitae Variant Classification Sherloc (09022015). Collection method: clinical testing. Allele origin: germline.
Comment: In summary, the available evidence is currently insufficient to determine the role of this variant in disease. Therefore, it has been classified as a Variant of Uncertain Significance. Algorithms developed to predict the effect of missense changes on protein structure and function (SIFT, PolyPhen-2, Align-GVGD) all suggest that this variant is likely to be tolerated, but these predictions have not been confirmed by published functional studies and their clinical significance is uncertain. This variant has not been reported in the literature in individuals with WDR35-related conditions. This variant is not present in population databases (ExAC no frequency). This sequence change replaces methionine with isoleucine at codon 99 of the WDR35 protein (p.Met99Ile). The methionine residue is highly conserved and there is a small physicochemical difference between methionine and isoleucine.

NM_020779.4(WDR35):c.297G>A (p.Met99Ile)

Gene: WDR35 (WD repeat domain 35; minus strand). Cytogenetic location: 2p24.1.
Variant type: single nucleotide variant.
Coding change: c.297G>A on transcript NM_020779.4 (MANE Select); coding-DNA position 297, G replaced by A.
Protein change: p.Met99Ile; replaces methionine 99 with isoleucine.
Molecular consequence: missense variant.
Genome position (GRCh38, 1-based): chr2:19,980,701, C>T on the plus strand (G>A on the coding strand, the complement: WDR35 is on the minus strand). VCF-style: chr2-19980701-C-T. GRCh37 (hg19) VCF-style: chr2-20180462-C-T.
Other names: c.297G>A, p.Met99Ile (NM_001006657.2); short protein forms M99I.
Identifiers: ClinVar variation 1439575 (VCV001439575.8), dbSNP rs779065567, ClinGen allele CA345948071.